The following is an entry in ClinVar:

ClinVar aggregate classification (germline): Uncertain significance. Review status: criteria provided, multiple submitters, no conflicts (2 of 4 stars). 4 submissions from 3 submitters: Uncertain significance (4). Last evaluated 2024-07-09.

Conditions:
Inborn genetic diseases. Identifiers: MedGen C0950123, MeSH D030342.
Meckel-Gruber syndrome. Also called: DYSENCEPHALIA SPLANCHNOCYSTICA; GRUBER SYNDROME; Dysencephalia splachnocystica. Identifiers: Orphanet 564, MedGen C0265215, MONDO:0018921.
Joubert syndrome. Also called: CEREBELLOPARENCHYMAL DISORDER IV; JOUBERT-BOLTSHAUSER SYNDROME; Familial aplasia of the vermis. Identifiers: Orphanet 475, MedGen C5979921, MONDO:0018772.
Joubert syndrome 24 (JBTS24). Identifiers: Orphanet 475, MedGen C4084841, MONDO:0014724, OMIM 616654.
Meckel syndrome, type 8. Identifiers: Orphanet 564, MedGen C3836857, MONDO:0013482, OMIM 613885.

Allele frequency attached by ClinVar (database versions not stated): gnomAD exomes below 0.00001 and 0.00001; gnomAD 0.00001; ExAC 0.00002; TOPMed 0.00011.
gnomAD v4.1: 10 of 1,614,046 alleles (0.00062%); highest among the groups gnomAD compares: Admixed American, 0.0033%; no homozygotes.

Submissions (4):

Ambry Genetics
Classification: Uncertain significance for Inborn genetic diseases. Last evaluated: 2024-07-09. Review status: criteria provided, single submitter. Criteria: Ambry Variant Classification Scheme 2023. Collection method: clinical testing. Allele origin: germline.

Labcorp Genetics (formerly Invitae), Labcorp
Classification: Uncertain significance for Joubert syndrome; Meckel-Gruber syndrome. Last evaluated: 2022-07-03. Review status: criteria provided, single submitter. Criteria: Invitae Variant Classification Sherloc (09022015). Collection method: clinical testing. Allele origin: germline.
Comment: This sequence change replaces tyrosine, which is neutral and polar, with histidine, which is basic and polar, at codon 266 of the TCTN2 protein (p.Tyr266His). This variant is present in population databases (rs770325331, gnomAD 0.003%). This variant has not been reported in the literature in individuals affected with TCTN2-related conditions. ClinVar contains an entry for this variant (Variation ID: 881279). Algorithms developed to predict the effect of missense changes on protein structure and function output the following: SIFT: "Tolerated"; PolyPhen-2: "Benign"; Align-GVGD: "Class C0". The histidine amino acid residue is found in multiple mammalian species, which suggests that this missense change does not adversely affect protein function. In summary, the available evidence is currently insufficient to determine the role of this variant in disease. Therefore, it has been classified as a Variant of Uncertain Significance.

Illumina Laboratory Services, Illumina
Classification: Uncertain significance for Joubert syndrome 24. Last evaluated: 2018-01-12. Review status: criteria provided, single submitter. Criteria: ICSL Variant Classification Criteria 13 December 2019. Collection method: clinical testing. Allele origin: germline.

Illumina Laboratory Services, Illumina
Classification: Uncertain significance for Meckel syndrome, type 8. Last evaluated: 2018-01-12. Review status: criteria provided, single submitter. Criteria: ICSL Variant Classification Criteria 13 December 2019. Collection method: clinical testing. Allele origin: germline.

NM_024809.5(TCTN2):c.796T>C (p.Tyr266His)

Gene: TCTN2 (tectonic family member 2; plus strand). Cytogenetic location: 12q24.31.
Variant type: single nucleotide variant.
Coding change: c.796T>C on transcript NM_024809.5 (MANE Select); coding-DNA position 796, T replaced by C.
Protein change: p.Tyr266His; replaces tyrosine 266 with histidine.
Molecular consequence: missense variant.
Genome position (GRCh38, 1-based): chr12:123,688,082, T>C. VCF-style: chr12-123688082-T-C. GRCh37 (hg19) VCF-style: chr12-124172629-T-C.
Other names: c.796T>C (NM_024809.3); c.793T>C, p.Tyr265His (NM_001143850.3); short protein forms Y265H, Y266H.
Identifiers: ClinVar variation 881279 (VCV000881279.8), dbSNP rs770325331, ClinGen allele CA6861010.
Genomic context (GRCh38, chr12:123,688,082, plus strand): 5'-ACTATTCAGCCTTTCTTATTGATTTTCAGTTCCCCCAAACAGGACTCTTCCTTTGAAGTA[T>C]ATGTGGATACTGACGCAAAAGACTTTGCAGACTTTGGTTACAAACAAGGAGATCCCATTA-3'
Protein context (NP_079085.2, residues 256-276): SPKQDSSFEV[Tyr266His]VDTDAKDFAD